The following is an entry in ClinVar:

ClinVar aggregate classification (germline): Uncertain significance (1 of 4 stars; one submission).

Submission:

Labcorp Genetics (formerly Invitae), Labcorp
Classification: Uncertain significance. Last evaluated: 2025-07-15. Review status: criteria provided, single submitter. Criteria: Invitae Variant Classification Sherloc (09022015). Collection method: clinical testing. Allele origin: germline.
Comment: This sequence change replaces valine, which is neutral and non-polar, with glycine, which is neutral and non-polar, at codon 2891 of the SPEG protein (p.Val2891Gly). This variant is not present in population databases (gnomAD no frequency). This variant has not been reported in the literature in individuals affected with SPEG-related conditions. An algorithm developed to predict the effect of missense changes on protein structure and function (PolyPhen-2) suggests that this variant is likely to be tolerated. In summary, the available evidence is currently insufficient to determine the role of this variant in disease. Therefore, it has been classified as a Variant of Uncertain Significance.

NM_005876.5(SPEG):c.8672T>G (p.Val2891Gly)

Genes: ASIC4-AS1 (ASIC4 antisense RNA 1; minus strand), SPEG (striated muscle enriched protein kinase; plus strand). Cytogenetic location: 2q35.
Variant type: single nucleotide variant.
Coding change: c.8672T>G on transcript NM_005876.5 (MANE Select); coding-DNA position 8672, T replaced by G.
Protein change: p.Val2891Gly; replaces valine 2891 with glycine.
Molecular consequence: missense variant.
Genome position (GRCh38, 1-based): chr2:219,489,690, T>G. VCF-style: chr2-219489690-T-G. GRCh37 (hg19) VCF-style: chr2-220354412-T-G.
Other names: short protein forms V2891G.
Identifiers: ClinVar variation 4765640 (VCV004765640.1).